The following is an entry in ClinVar:

NM_000548.5(TSC2):c.4700G>A (p.Gly1567Asp)

Gene: TSC2 (TSC complex subunit 2; plus strand). Cytogenetic location: 16p13.3.
Variant type: single nucleotide variant.
Coding change: c.4700G>A on transcript NM_000548.5 (MANE Select); coding-DNA position 4700, G replaced by A.
Protein change: p.Gly1567Asp; replaces glycine 1567 with aspartic acid.
Molecular consequence: missense variant.
Genome position (GRCh38, 1-based): chr16:2,086,230, G>A. VCF-style: chr16-2086230-G-A. GRCh37 (hg19) VCF-style: chr16-2136231-G-A.
Other names: c.4499G>A, p.Gly1500Asp (NM_001077183.3); c.4631G>A, p.Gly1544Asp (NM_001114382.3); c.4391G>A, p.Gly1464Asp (NM_001318827.2); c.4355G>A, p.Gly1452Asp (NM_001318829.2); c.3968G>A, p.Gly1323Asp (NM_001318831.2); c.4532G>A, p.Gly1511Asp (NM_001318832.2); c.4502G>A, p.Gly1501Asp (NM_001363528.2); c.4568G>A, p.Gly1523Asp (NM_001370404.1); and 1 more; short protein forms G1567D, G1323D, G1452D, G1501D, G1511D, G1500D, G1544D, G1464D.
Identifiers: ClinVar variation 50054 (VCV000050054.6), dbSNP rs45517364, ClinGen allele CA020917.

ClinVar aggregate classification (germline): Likely pathogenic. Review status: criteria provided, multiple submitters, no conflicts (2 of 4 stars). 3 submissions from 3 submitters: Likely pathogenic (2). 1 of the submissions does not count toward it. Last evaluated 2026-04-03.

Conditions:
Hereditary cancer-predisposing syndrome. Also called: Neoplastic Syndromes, Hereditary; Hereditary neoplastic syndrome; Tumor predisposition; Hereditary Cancer Syndrome. Identifiers: Orphanet 140162, MedGen C0027672, MeSH D009386, MONDO:0015356.
Tuberous sclerosis syndrome (TSC). Also called: Tuberous sclerosis; Tuberous Sclerosis Complex. Identifiers: Orphanet 805, MedGen C0041341, MONDO:0001734.
Tuberous sclerosis 2 (TSC2). Identifiers: Orphanet 805, MedGen C1860707, MONDO:0013199, OMIM 613254.

Submissions (3):

Ambry Genetics
Classification: Likely pathogenic for Hereditary cancer-predisposing syndrome. Last evaluated: 2026-04-03. Review status: criteria provided, single submitter. Criteria: Ambry Variant Classification Scheme 2023. Collection method: clinical testing. Allele origin: germline.
Comment: The p.G1567D variant (also known as c.4700G>A), located in coding exon 36 of the TSC2 gene, results from a G to A substitution at nucleotide position 4700. The glycine at codon 1567 is replaced by aspartic acid, an amino acid with similar properties. This variant was reported in individual(s) with features consistent with Tuberous sclerosis complex (Ambry internal data). In one functional study, this alteration was found to disrupt the TSC1-TSC2 dependent inhibition of TORC1 (Hoogeveen-Westerveld M et al. Hum Mutat, 2013 Jan;34:167-75). This amino acid position is highly conserved in available vertebrate species. In addition, this alteration is predicted to be deleterious by in silico analysis. This variant is considered to be rare based on population cohorts in the Genome Aggregation Database (gnomAD). Based on the majority of available evidence to date, this variant is likely to be pathogenic.

Medical and Scientific Branch, Hong Kong Genome Institute
Classification: Likely pathogenic for Tuberous sclerosis 2. Last evaluated: 2025-10-11. Review status: criteria provided, single submitter. Criteria: ACMG Guidelines, 2015. Collection method: clinical testing. Allele origin: germline. Affected: yes.

Tuberous sclerosis database (TSC2)
No classification provided. Condition: TSC. Review status: no classification provided. Criteria: Tuberous Sclerosis Database Assertion Criteria 2015. Collection method: curation. Allele origin: germline. Affected: yes. Not counted in ClinVar's aggregate classification.

Literature cited by the submitters: PubMed 22903760 (cited by Ambry Genetics).